The following is an entry in ClinVar:

ClinVar aggregate classification (germline): Pathogenic (1 of 4 stars; one submission).

Conditions:
Diamond-Blackfan anemia. Also called: Aase syndrome; Blackfan Diamond syndrome; Aregenerative anemia chronic congenital; Red cell aplasia, pure hereditary; Congenital hypoplastic anemia. Identifiers: Orphanet 124, MedGen C1260899, MeSH D029503, MONDO:0015253, HP:0004810.

Submission:

Labcorp Genetics (formerly Invitae), Labcorp
Classification: Pathogenic for Diamond-Blackfan anemia. Last evaluated: 2021-10-29. Review status: criteria provided, single submitter. Criteria: Invitae Variant Classification Sherloc (09022015). Collection method: clinical testing. Allele origin: germline.
Comment: For these reasons, this variant has been classified as Pathogenic. A similar copy number variant has been observed in individual(s) with clinical features of Diamond-Blackfan anemia (PMID: 22689679). A gross deletion of the genomic region encompassing the full coding sequence of the RPL5 gene has been identified. Loss-of-function variants in RPL5 are known to be pathogenic (PMID: 19061985, 19773262). The boundaries of this event are unknown as they extend beyond the assayed region for this gene and therefore may encompass additional genes.

Literature cited by the submitters: PubMed 22689679; PubMed 19061985; PubMed 19773262.

NC_000001.10:g.(?_93297672)_(93307422_?)del

Genes: DIPK1A (divergent protein kinase domain 1A; minus strand), RPL5 (ribosomal protein L5; plus strand), SNORD21 (small nucleolar RNA, C/D box 21; plus strand). Cytogenetic location: 1p22.1.
Variant type: Deletion.
Identifiers: ClinVar variation 1073746 (VCV001073746.11).